The following is an entry in ClinVar:

ClinVar aggregate classification (germline): Uncertain significance (1 of 4 stars; one submission).

Allele frequency attached by ClinVar (database versions not stated): gnomAD exomes below 0.00001.
gnomAD v4.1: 4 of 1,549,594 alleles (0.00026%); highest among the groups gnomAD compares: African/African-American, 0.0014%; no homozygotes.

Submission:

Labcorp Genetics (formerly Invitae), Labcorp
Classification: Uncertain significance. Last evaluated: 2022-04-09. Review status: criteria provided, single submitter. Criteria: Invitae Variant Classification Sherloc (09022015). Collection method: clinical testing. Allele origin: germline.
Comment: This sequence change replaces proline, which is neutral and non-polar, with leucine, which is neutral and non-polar, at codon 2337 of the EYS protein (p.Pro2337Leu). This variant is present in population databases (no rsID available, gnomAD 0.01%). This variant has not been reported in the literature in individuals affected with EYS-related conditions. Algorithms developed to predict the effect of missense changes on protein structure and function output the following: SIFT: "Deleterious"; PolyPhen-2: "Possibly Damaging"; Align-GVGD: "Class C0". The leucine amino acid residue is found in multiple mammalian species, which suggests that this missense change does not adversely affect protein function. In summary, the available evidence is currently insufficient to determine the role of this variant in disease. Therefore, it has been classified as a Variant of Uncertain Significance.

NM_001142800.2(EYS):c.7010C>T (p.Pro2337Leu)

Gene: EYS (eyes shut homolog; minus strand). Cytogenetic location: 6q12.
Variant type: single nucleotide variant.
Coding change: c.7010C>T on transcript NM_001142800.2 (MANE Select); coding-DNA position 7010, C replaced by T.
Protein change: p.Pro2337Leu; replaces proline 2337 with leucine.
Molecular consequence: missense variant.
Genome position (GRCh38, 1-based): chr6:63,984,428, G>A on the plus strand (C>T on the coding strand, the complement: EYS is on the minus strand). VCF-style: chr6-63984428-G-A. GRCh37 (hg19) VCF-style: chr6-64694321-G-A.
Other names: c.7010C>T, p.Pro2337Leu (NM_001292009.2); short protein forms P2337L.
Identifiers: ClinVar variation 1936742 (VCV001936742.2), dbSNP rs1414234311, ClinGen allele CA364388113.
Genomic context (GRCh38, chr6:63,984,428, plus strand): 5'-GAGACTAATACTGACCTGATGCAGGTGCCATTGTTGCGGCACAGATGATGAGCACACCAA[G>A]GGACGTGGCAGTTCTCAATATTCTTTCCATGTCGTGCTTCATCGATGATGAAGAATTCTT-3'
Protein context (NP_001136272.1, residues 2327-2347): HGKNIENCHV[Pro2337Leu]WCAHHLCRNN